The following is an entry in ClinVar:

NM_004589.4(SCO1):c.640G>A (p.Ala214Thr)

Gene: SCO1 (synthesis of cytochrome C oxidase 1; minus strand). Cytogenetic location: 17p13.1.
Variant type: single nucleotide variant.
Coding change: c.640G>A on transcript NM_004589.4 (MANE Select); coding-DNA position 640, G replaced by A.
Protein change: p.Ala214Thr; replaces alanine 214 with threonine.
Molecular consequence: missense variant.
Genome position (GRCh38, 1-based): chr17:10,691,887, C>T on the plus strand (G>A on the coding strand, the complement: SCO1 is on the minus strand). VCF-style: chr17-10691887-C-T. GRCh37 (hg19) VCF-style: chr17-10595204-C-T.
Other names: short protein forms A214T.
Identifiers: ClinVar variation 321794 (VCV000321794.9), dbSNP rs145764824, ClinGen allele CA8393543.

ClinVar aggregate classification (germline): Uncertain significance. Review status: criteria provided, multiple submitters, no conflicts (2 of 4 stars). 3 submissions from 3 submitters: Uncertain significance (3). Last evaluated 2023-05-05.

Conditions:
Inborn genetic diseases. Identifiers: MedGen C0950123, MeSH D030342.
Leigh syndrome (NULS). Also called: Leigh Disease; Subacute necrotizing encephalopathy; Necrotizing encephalopathy infantile subacute of Leigh; Leigh's necrotizing encephalopathy; Leigh's disease; Leigh's syndrome. Identifiers: Orphanet 506, MedGen C2931891, MONDO:0009723, OMIM 256000.

Allele frequency attached by ClinVar (database versions not stated): ExAC 0.00002; gnomAD exomes 0.00003 and 0.00004; gnomAD 0.00005; TOPMed 0.00005; ESP Exome Variant Server 0.00008.
gnomAD v4.1: 63 of 1,608,930 alleles (0.0039%); highest among the groups gnomAD compares: African/African-American, 0.0053%; no homozygotes.

Submissions (3):

Ambry Genetics
Classification: Uncertain significance for Inborn genetic diseases. Last evaluated: 2023-05-05. Review status: criteria provided, single submitter. Criteria: Ambry Variant Classification Scheme 2023. Collection method: clinical testing. Allele origin: germline.

Labcorp Genetics (formerly Invitae), Labcorp
Classification: Uncertain significance. Last evaluated: 2021-12-23. Review status: criteria provided, single submitter. Criteria: Invitae Variant Classification Sherloc (09022015). Collection method: clinical testing. Allele origin: germline.
Comment: This sequence change replaces alanine, which is neutral and non-polar, with threonine, which is neutral and polar, at codon 214 of the SCO1 protein (p.Ala214Thr). This variant is present in population databases (rs145764824, gnomAD 0.009%). This variant has not been reported in the literature in individuals affected with SCO1-related conditions. ClinVar contains an entry for this variant (Variation ID: 321794). Algorithms developed to predict the effect of missense changes on protein structure and function are either unavailable or do not agree on the potential impact of this missense change (SIFT: "Tolerated"; PolyPhen-2: "Possibly Damaging"; Align-GVGD: "Class C0"). In summary, the available evidence is currently insufficient to determine the role of this variant in disease. Therefore, it has been classified as a Variant of Uncertain Significance.

Illumina Laboratory Services, Illumina
Classification: Uncertain significance for Leigh syndrome. Last evaluated: 2018-01-13. Review status: criteria provided, single submitter. Criteria: ICSL Variant Classification Criteria 13 December 2019. Collection method: clinical testing. Allele origin: germline.